The following is an entry in ClinVar:

NM_001035.3(RYR2):c.4118A>G (p.His1373Arg)

Genes: RYR2 (ryanodine receptor 2; plus strand), LOC126806067 (BRD4-independent group 4 enhancer GRCh37_chr1:237753258-237754457; plus strand). Cytogenetic location: 1q43.
Variant type: single nucleotide variant.
Coding change: c.4118A>G on transcript NM_001035.3 (MANE Select); coding-DNA position 4118, A replaced by G.
Protein change: p.His1373Arg; replaces histidine 1373 with arginine.
Molecular consequence: missense variant.
Genome position (GRCh38, 1-based): chr1:237,590,950, A>G. VCF-style: chr1-237590950-A-G. GRCh37 (hg19) VCF-style: chr1-237754250-A-G.
Other names: short protein forms H1373R.
Identifiers: ClinVar variation 3232397 (VCV003232397.1), dbSNP rs2546617042, ClinGen allele CA345397787.

ClinVar aggregate classification (germline): Uncertain significance (1 of 4 stars; one submission).

Conditions:
Cardiovascular phenotype. Identifiers: MedGen CN230736.

Submission:

Ambry Genetics
Classification: Uncertain significance for Cardiovascular phenotype. Last evaluated: 2023-12-02. Review status: criteria provided, single submitter. Criteria: Ambry Variant Classification Scheme 2023. Collection method: clinical testing. Allele origin: germline.
Comment: The p.H1373R variant (also known as c.4118A>G), located in coding exon 31 of the RYR2 gene, results from an A to G substitution at nucleotide position 4118. The histidine at codon 1373 is replaced by arginine, an amino acid with highly similar properties. This amino acid position is highly conserved in available vertebrate species. In addition, this alteration is predicted to be deleterious by in silico analysis. Since supporting evidence is limited at this time, the clinical significance of this alteration remains unclear.